The following is an entry in ClinVar:

NM_014991.6(WDFY3):c.3131C>T (p.Ala1044Val)

Gene: WDFY3 (WD repeat and FYVE domain containing 3; minus strand). Cytogenetic location: 4q21.23.
Variant type: single nucleotide variant.
Coding change: c.3131C>T on transcript NM_014991.6 (MANE Select); coding-DNA position 3131, C replaced by T.
Protein change: p.Ala1044Val; replaces alanine 1044 with valine.
Molecular consequence: missense variant.
Genome position (GRCh38, 1-based): chr4:84,796,557, G>A on the plus strand (C>T on the coding strand, the complement: WDFY3 is on the minus strand). VCF-style: chr4-84796557-G-A. GRCh37 (hg19) VCF-style: chr4-85717710-G-A.
Other names: short protein forms A1044V.
Identifiers: ClinVar variation 3370551 (VCV003370551.1).

ClinVar aggregate classification (germline): Uncertain significance (1 of 4 stars; one submission).

Submission:

GeneDx
Classification: Uncertain significance. Last evaluated: 2024-03-12. Review status: criteria provided, single submitter. Criteria: GeneDx Variant Classification Process June 2021. Collection method: clinical testing. Allele origin: germline. Affected: yes.
Comment: Not observed at significant frequency in large population cohorts (gnomAD); In silico analysis supports that this missense variant has a deleterious effect on protein structure/function; Has not been previously published as pathogenic or benign to our knowledge